The following is an entry in ClinVar:

NM_002528.7(NTHL1):c.113C>T (p.Ala38Val)

Gene: NTHL1 (nth like DNA glycosylase 1; minus strand). Cytogenetic location: 16p13.3.
Variant type: single nucleotide variant.
Coding change: c.113C>T on transcript NM_002528.7 (MANE Select); coding-DNA position 113, C replaced by T.
Protein change: p.Ala38Val; replaces alanine 38 with valine.
Molecular consequence: missense variant. On other transcripts: 5 prime UTR variant (1).
Genome position (GRCh38, 1-based): chr16:2,047,711, G>A on the plus strand (C>T on the coding strand, the complement: NTHL1 is on the minus strand). VCF-style: chr16-2047711-G-A. GRCh37 (hg19) VCF-style: chr16-2097712-G-A.
Other names: p.Ala38Val; c.113C>T, p.Ala38Val (NM_001318193.2); c.-66C>T (NM_001318194.2); short protein forms A38V.
Identifiers: ClinVar variation 780015 (VCV000780015.61), dbSNP rs202082304, ClinGen allele CA027490.

ClinVar aggregate classification (germline): Conflicting classifications of pathogenicity. Review status: criteria provided, conflicting classifications (1 of 4 stars). 11 submissions from 11 submitters: Uncertain significance (6); Benign (1); Likely benign (4). Last evaluated 2026-02-04.

Conditions:
Inherited polyposis and early onset colorectal cancer - germline testing.
Familial adenomatous polyposis 3. Also called: NTHL1-Related Adenomatous Polyposis and Colorectal Cancer; NTHL1-related attenuated familial adenomatous polyposis; NTHL1-associated polyposis; NTHL1 Tumor Syndrome. Identifiers: Orphanet 220460, Orphanet 454840, MedGen C4225157, MONDO:0014630, OMIM 616415.
Hereditary cancer-predisposing syndrome. Also called: Hereditary neoplastic syndrome; Neoplastic Syndromes, Hereditary; Hereditary Cancer Syndrome; Tumor predisposition. Identifiers: Orphanet 140162, MedGen C0027672, MeSH D009386, MONDO:0015356.

Allele frequency attached by ClinVar (database versions not stated): gnomAD exomes 0.00028 and 0.00074; ExAC 0.00197; ESP Exome Variant Server 0.00227; gnomAD 0.00290 and 0.00305; TOPMed 0.00317; 1000 Genomes Project 0.00519; 1000 Genomes Project 30x 0.00671.
gnomAD v4.1: 875 of 1,579,040 alleles (0.055%); highest among the groups gnomAD compares: African/African-American, 0.95%; 8 homozygotes.

Submissions (11):

Cambridge Genomics Laboratory, East Genomic Laboratory Hub, NHS Genomic Medicine Service
Classification: Uncertain significance for Inherited polyposis and early onset colorectal cancer - germline testing. Last evaluated: 2026-02-04. Review status: criteria provided, single submitter. Criteria: ACGS Best Practice Guidelines for Variant Classification in Rare Disease 2020. Collection method: clinical testing. Allele origin: germline. Affected: yes.

Labcorp Genetics (formerly Invitae), Labcorp
Classification: Benign. Last evaluated: 2026-02-03. Review status: criteria provided, single submitter. Criteria: Invitae Variant Classification Sherloc (09022015). Collection method: clinical testing. Allele origin: germline.

Quest Diagnostics Nichols Institute San Juan Capistrano
Classification: Uncertain significance. Last evaluated: 2025-05-18. Review status: criteria provided, single submitter. Criteria: Quest Diagnostics criteria. Collection method: clinical testing. Allele origin: unknown.
Comment: The NTHL1 c.137C>T (p.Ala46Val) variant has been reported in the published literature in an individual affected with multiple adenomas, and RNA analysis performed on the patient derived cell line did not detect aberrant splicing (PMID: 33454955 (2021)). The frequency of this variant in the general population (Genome Aggregation Database) is higher than would generally be expected for pathogenic variants in this gene. Analysis of this variant using bioinformatics tools for the prediction of the effect of amino acid changes on protein structure and function yielded predictions that this variant is benign. Additional analysis using software algorithms for the prediction of the effect of nucleotide changes on splicing yielded predictions that this variant may affect proper NTHL1 mRNA splicing. Based on the available information, we are unable to determine the clinical significance of this variant.

Center for Genomic Medicine, Rigshospitalet, Copenhagen University Hospital
Classification: Uncertain significance. Last evaluated: 2025-03-04. Review status: criteria provided, single submitter. Criteria: ACMG Guidelines, 2015. Collection method: clinical testing. Allele origin: germline.

Blueprint Genetics
Classification: Likely benign. Last evaluated: 2024-10-07. Review status: criteria provided, single submitter. Criteria: ACMG Guidelines, 2015. Collection method: clinical testing. Allele origin: germline.

Laboratorio de Genetica e Diagnostico Molecular, Hospital Israelita Albert Einstein
Classification: Uncertain significance for Familial adenomatous polyposis 3. Last evaluated: 2023-12-22. Review status: criteria provided, single submitter. Criteria: ACMG Guidelines, 2015. Collection method: clinical testing. Allele origin: germline. Affected: yes.
Comment: ACMG classification criteria: PM3 moderate, PP3 supporting, BS2 strong

CeGaT Center for Human Genetics Tuebingen
Classification: Likely benign. Last evaluated: 2023-09-01. Review status: criteria provided, single submitter. Criteria: CeGaT Center For Human Genetics Tuebingen Variant Classification Criteria Version 2. Collection method: clinical testing. Allele origin: germline. Affected: yes. Observed: 1 variant allele.
Comment: NTHL1: PP3, BS2

Mayo Clinic Laboratories, Mayo Clinic
Classification: Uncertain significance. Last evaluated: 2022-03-09. Review status: criteria provided, single submitter. Criteria: ACMG Guidelines, 2015. Collection method: clinical testing. Allele origin: germline. Observed: 1 variant allele.

GeneDx
Classification: Uncertain significance. Last evaluated: 2022-01-17. Review status: criteria provided, single submitter. Criteria: GeneDx Variant Classification Process June 2021. Collection method: clinical testing. Allele origin: germline. Affected: yes.
Comment: In silico analysis supports that this missense variant does not alter protein structure/function; Observed in individuals with polyps or with features of Cowden syndrome or Bannayan-Riley-Ruvalcaba syndrome (Yehia 2018, Boulouard 2021); Observed in 189/19226 (0.983%) alleles from individuals of African background in large population cohorts (gnomAD); In silico analysis supports a deleterious effect on splicing; This variant is associated with the following publications: (PMID: 33454955, 29684080)

Sema4
Classification: Likely benign for Hereditary cancer-predisposing syndrome. Last evaluated: 2021-04-13. Review status: criteria provided, single submitter. Criteria: Sema4 Curation Guidelines. Collection method: curation. Allele origin: germline.

Ambry Genetics
Classification: Likely benign for Hereditary cancer-predisposing syndrome. Last evaluated: 2018-08-13. Review status: criteria provided, single submitter. Criteria: Ambry Variant Classification Scheme 2023. Collection method: clinical testing. Allele origin: germline.

Literature cited by the submitters: PubMed 35304488 (cited by Quest Diagnostics Nichols Institute San Juan Capistrano); PubMed 33454955 (cited by Quest Diagnostics Nichols Institute San Juan Capistrano and Center for Genomic Medicine, Rigshospitalet, Copenhagen University Hospital).